The following is an entry in ClinVar:

NM_017841.4(SDHAF2):c.122C>T (p.Thr41Ile)

Gene: SDHAF2 (succinate dehydrogenase complex assembly factor 2; plus strand). Cytogenetic location: 11q12.2.
Variant type: single nucleotide variant.
Coding change: c.122C>T on transcript NM_017841.4 (MANE Select); coding-DNA position 122, C replaced by T.
Protein change: p.Thr41Ile; replaces threonine 41 with isoleucine.
Molecular consequence: missense variant.
Genome position (GRCh38, 1-based): chr11:61,437,710, C>T. VCF-style: chr11-61437710-C-T. GRCh37 (hg19) VCF-style: chr11-61205182-C-T.
Other names: short protein forms T41I.
Identifiers: ClinVar variation 1755173 (VCV001755173.5), dbSNP rs747508289, ClinGen allele CA057768.

ClinVar aggregate classification (germline): Uncertain significance. Review status: criteria provided, multiple submitters, no conflicts (2 of 4 stars). 2 submissions from 2 submitters: Uncertain significance (2). Last evaluated 2023-10-29.

Conditions:
Hereditary cancer-predisposing syndrome. Also called: Tumor predisposition; Hereditary Cancer Syndrome; Hereditary neoplastic syndrome; Neoplastic Syndromes, Hereditary. Identifiers: Orphanet 140162, MedGen C0027672, MeSH D009386, MONDO:0015356.
Hereditary pheochromocytoma and paraganglioma. Also called: Hereditary paragangliomas and pheochromocytomas; Hereditary Paraganglioma-Pheochromocytoma Syndromes; Hereditary pheochromocytoma-paraganglioma. Identifiers: Orphanet 29072, MedGen C4274332, MONDO:0017366.

Allele frequency attached by ClinVar (database versions not stated): gnomAD exomes 0.00001; ExAC 0.00002.
gnomAD v4.1: 4 of 1,614,200 alleles (0.00025%); highest among the groups gnomAD compares: Admixed American, 0.0017%; no homozygotes.

Submissions (2):

Labcorp Genetics (formerly Invitae), Labcorp
Classification: Uncertain significance for Hereditary pheochromocytoma and paraganglioma. Last evaluated: 2023-10-29. Review status: criteria provided, single submitter. Criteria: Invitae Variant Classification Sherloc (09022015). Collection method: clinical testing. Allele origin: germline.
Comment: This sequence change replaces threonine, which is neutral and polar, with isoleucine, which is neutral and non-polar, at codon 41 of the SDHAF2 protein (p.Thr41Ile). This variant is present in population databases (rs747508289, gnomAD 0.003%). This variant has not been reported in the literature in individuals affected with SDHAF2-related conditions. ClinVar contains an entry for this variant (Variation ID: 1755173). An algorithm developed to predict the effect of missense changes on protein structure and function (PolyPhen-2) suggests that this variant is likely to be tolerated. In summary, the available evidence is currently insufficient to determine the role of this variant in disease. Therefore, it has been classified as a Variant of Uncertain Significance.

Ambry Genetics
Classification: Uncertain significance for Hereditary cancer-predisposing syndrome. Last evaluated: 2022-05-25. Review status: criteria provided, single submitter. Criteria: Ambry Variant Classification Scheme 2023. Collection method: clinical testing. Allele origin: germline.
Comment: The p.T41I variant (also known as c.122C>T), located in coding exon 2 of the SDHAF2 gene, results from a C to T substitution at nucleotide position 122. The threonine at codon 41 is replaced by isoleucine, an amino acid with similar properties. This amino acid position is conserved. In addition, this alteration is predicted to be tolerated by in silico analysis. Since supporting evidence is limited at this time, the clinical significance of this alteration remains unclear.